The following is an entry in ClinVar:

ClinVar aggregate classification (germline): Pathogenic (1 of 4 stars; one submission).

Submission:

Labcorp Genetics (formerly Invitae), Labcorp
Classification: Pathogenic. Last evaluated: 2022-09-19. Review status: criteria provided, single submitter. Criteria: Invitae Variant Classification Sherloc (09022015). Collection method: clinical testing. Allele origin: germline.
Comment: For these reasons, this variant has been classified as Pathogenic. A similar copy number variant has been observed in individual(s) with clinical features of PEX11B-related conditions (PMID: 28129423). This variant is a gross deletion of the genomic region encompassing exon(s) 1-3 of the PEX11B gene, which includes the initiator codon. This deletion extends beyond the assayed region for this gene and therefore may encompass additional genes. It is expected to result in an absent or disrupted protein product. Loss-of-function variants in PEX11B are known to be pathogenic (PMID: 22581968, 26233629, 28129423).

Literature cited by the submitters: PubMed 28129423; PubMed 22581968; PubMed 26233629.

NC_000001.10:g.(?_145516401)_(145518292_?)del

Gene: PEX11B (peroxisomal biogenesis factor 11 beta; minus strand). Cytogenetic location: 1q21.1.
Variant type: Deletion.
Identifiers: ClinVar variation 1444883 (VCV001444883.7).